The following is an entry in ClinVar:

NM_003126.4(SPTA1):c.6530+1G>T

Gene: SPTA1 (spectrin alpha, erythrocytic 1; minus strand). Cytogenetic location: 1q23.1.
Variant type: single nucleotide variant.
Coding change: c.6530+1G>T on transcript NM_003126.4 (MANE Select); the canonical splice donor site of the intron after coding-DNA position 6530, G replaced by T.
Molecular consequence: splice donor variant.
Genome position (GRCh38, 1-based): chr1:158,619,221, C>A on the plus strand (G>T on the coding strand, the complement: SPTA1 is on the minus strand). VCF-style: chr1-158619221-C-A. GRCh37 (hg19) VCF-style: chr1-158589011-C-A.
Identifiers: ClinVar variation 2632390 (VCV002632390.1), dbSNP rs936665671, ClinGen allele CA31255853.
Genomic context (GRCh38, chr1:158,619,221, plus strand): 5'-TCATCCCTATGGCAAATGGTGGTGGCACAGGGGTCATGGTTTGGGATGTAGCATAGCACA[C>A]CTGGTTTCCAGGATCCATTGAAGGAAGGTACTGGCATTCTGTTCAAACTCCTGACACATC-3'

ClinVar aggregate classification (germline): Likely pathogenic (1 of 4 stars; one submission).

Conditions:
SPTA1-related disorder. Also called: SPTA1-related condition; SPTA1-related disorders.

Allele frequency attached by ClinVar (database versions not stated): gnomAD exomes 0.00001; TOPMed 0.00001.
gnomAD v4.1: 7 of 1,613,836 alleles (0.00043%); highest among the groups gnomAD compares: Non-Finnish European, 0.00059%; no homozygotes.

Submission:

PreventionGenetics, part of Exact Sciences
Classification: Likely pathogenic for SPTA1-related condition. Last evaluated: 2023-06-23. Review status: criteria provided, single submitter. Criteria: ACMG Guidelines, 2015. Collection method: clinical testing. Allele origin: germline.
Comment: The SPTA1 c.6530+1G>T variant is predicted to disrupt the GT donor site and interfere with normal splicing. To our knowledge, this variant has not been reported in the literature. This variant is reported in 0.00088% of alleles in individuals of European (Non-Finnish) descent in gnomAD. A different splice site change at the same nucleotide position, c.6530+1G>A (IVS45 ds G-A +1) was reported in an asymptomatic father and a compound heterozygous child with hereditary spherocytosis (Nussenzveig et al 2014. PubMed ID: 25277063). Variants that disrupt the consensus splice donor site in SPTA1 are expected to be pathogenic. This variant is interpreted as likely pathogenic.